The following is an entry in ClinVar:

ClinVar aggregate classification (germline): Pathogenic/Likely pathogenic. Review status: criteria provided, multiple submitters, no conflicts (2 of 4 stars). 2 submissions from 2 submitters: Pathogenic (1); Likely pathogenic (1). Last evaluated 2024-05-03.

Conditions:
Non-acquired combined pituitary hormone deficiency with spine abnormalities (CPHD3). Also called: Winkelman Bethge Pfeiffer syndrome; WBP syndrome; Combined pituitary hormone deficiency type 3. Identifiers: Orphanet 231720, MedGen C3489787, MONDO:0009091, OMIM 221750.

Allele frequency attached by ClinVar (database versions not stated): gnomAD exomes below 0.00001.
gnomAD v4.1: 4 of 1,613,570 alleles (0.00025%); highest among the groups gnomAD compares: Non-Finnish European, 0.00034%; no homozygotes.

Submissions (2):

Fulgent Genetics
Classification: Likely pathogenic for Non-acquired combined pituitary hormone deficiency with spine abnormalities. Last evaluated: 2024-05-03. Review status: criteria provided, single submitter. Criteria: ACMG Guidelines, 2015. Collection method: clinical testing. Allele origin: germline.

Labcorp Genetics (formerly Invitae), Labcorp
Classification: Pathogenic. Last evaluated: 2022-04-20. Review status: criteria provided, single submitter. Criteria: Invitae Variant Classification Sherloc (09022015). Collection method: clinical testing. Allele origin: germline.
Comment: For these reasons, this variant has been classified as Pathogenic. This variant has not been reported in the literature in individuals affected with LHX3-related conditions. This variant is not present in population databases (gnomAD no frequency). This sequence change creates a premature translational stop signal (p.Trp56*) in the LHX3 gene. It is expected to result in an absent or disrupted protein product. Loss-of-function variants in LHX3 are known to be pathogenic (PMID: 16394081, 18407919).

Literature cited by the submitters: PubMed 16394081 (cited by Labcorp Genetics (formerly Invitae), Labcorp); PubMed 18407919 (cited by Labcorp Genetics (formerly Invitae), Labcorp).

NM_178138.6(LHX3):c.152G>A (p.Trp51Ter)

Gene: LHX3 (LIM homeobox 3; minus strand). Cytogenetic location: 9q34.3.
Variant type: single nucleotide variant.
Coding change: c.152G>A on transcript NM_178138.6 (MANE Select); coding-DNA position 152, G replaced by A.
Protein change: p.Trp51Ter; replaces tryptophan 51 with a stop codon.
Molecular consequence: nonsense.
Genome position (GRCh38, 1-based): chr9:136,200,681, C>T on the plus strand (G>A on the coding strand, the complement: LHX3 is on the minus strand). VCF-style: chr9-136200681-C-T. GRCh37 (hg19) VCF-style: chr9-139092527-C-T.
Other names: c.119G>A, p.Trp40Ter (NM_001363746.1); c.167G>A, p.Trp56Ter (NM_014564.5); short protein forms W51*, W40*, W56*.
Identifiers: ClinVar variation 2128359 (VCV002128359.5), dbSNP rs2490918969, ClinGen allele CA375520550.